The following is an entry in ClinVar:

ClinVar aggregate classification (germline): Likely pathogenic (1 of 4 stars; one submission).

Conditions:
3-methylcrotonyl-CoA carboxylase 1 deficiency (MCC1D). Also called: MCCD TYPE 1; METHYLCROTONYLGLYCINURIA TYPE I; MCC 1 deficiency; 3 Alpha methylcrotonylglycinuria 1. Identifiers: Orphanet 6, MedGen CN028786, MONDO:0008861, OMIM 210200.

Submission:

Labcorp Genetics (formerly Invitae), Labcorp
Classification: Likely pathogenic for 3-methylcrotonyl-CoA carboxylase 1 deficiency. Last evaluated: 2021-06-24. Review status: criteria provided, single submitter. Criteria: Invitae Variant Classification Sherloc (09022015). Collection method: clinical testing. Allele origin: germline.
Comment: In summary, the currently available evidence indicates that the variant is pathogenic, but additional data are needed to prove that conclusively. Therefore, this variant has been classified as Likely Pathogenic. Algorithms developed to predict the effect of sequence changes on RNA splicing suggest that this variant may disrupt the consensus splice site, but this prediction has not been confirmed by published transcriptional studies. This variant has been observed in individual(s) with 3 methylcrotonyl-CoA carboxylase deficiency (Invitae). This variant is not present in population databases (ExAC no frequency). This sequence change affects an acceptor splice site in intron 10 of the MCCC1 gene. It is expected to disrupt RNA splicing. Variants that disrupt the donor or acceptor splice site typically lead to a loss of protein function (PMID: 16199547), and loss-of-function variants in MCCC1 are known to be pathogenic (PMID: 11181649, 15359379, 22642865).

Literature cited by the submitters: PubMed 16199547; PubMed 11181649; PubMed 15359379; PubMed 22642865.

NM_020166.5(MCCC1):c.1084-1G>C

Gene: MCCC1 (methylcrotonyl-CoA carboxylase subunit 1; minus strand). Cytogenetic location: 3q27.1.
Variant type: single nucleotide variant.
Coding change: c.1084-1G>C on transcript NM_020166.5 (MANE Select); the canonical splice acceptor site of the intron before coding-DNA position 1084, G replaced by C.
Molecular consequence: splice acceptor variant.
Genome position (GRCh38, 1-based): chr3:183,041,751, C>G on the plus strand (G>C on the coding strand, the complement: MCCC1 is on the minus strand). VCF-style: chr3-183041751-C-G. GRCh37 (hg19) VCF-style: chr3-182759539-C-G.
Other names: c.757-1G>C (NM_001363880.1); c.733-1G>C (NM_001293273.2).
Identifiers: ClinVar variation 1499392 (VCV001499392.8), dbSNP rs2108479565, ClinGen allele CA355323542.
Genomic context (GRCh38, chr3:183,041,751, plus strand): 5'-GGCATGGCCCTGCAGAGTTATTTCTTCCTGGCTCAAAGGAATCTTCTCTCCTGCTGCAAT[C>G]TGGCAATAGAATAGTGTTTCTTATGAAATCTACCGTATAGCGGCTACCAGACTTAGTAAA-3'